The following is an entry in ClinVar:

ClinVar aggregate classification (germline): Pathogenic/Likely pathogenic. Review status: criteria provided, multiple submitters, no conflicts (2 of 4 stars). 2 submissions from 2 submitters: Pathogenic (1); Likely pathogenic (1). Last evaluated 2024-11-30.

Conditions:
Galloway-Mowat syndrome 1 (GAMOS1). Identifiers: Orphanet 2065, Orphanet 83472, MedGen C4551772, MONDO:0033005, OMIM 251300.

Submissions (2):

Labcorp Genetics (formerly Invitae), Labcorp
Classification: Pathogenic. Last evaluated: 2024-11-30. Review status: criteria provided, single submitter. Criteria: Invitae Variant Classification Sherloc (09022015). Collection method: clinical testing. Allele origin: germline.
Comment: This sequence change creates a premature translational stop signal (p.Asp189Valfs*6) in the WDR73 gene. It is expected to result in an absent or disrupted protein product. Loss-of-function variants in WDR73 are known to be pathogenic (PMID: 25466283, 25873735, 26123727). This variant is not present in population databases (gnomAD no frequency). This variant has not been reported in the literature in individuals affected with WDR73-related conditions. ClinVar contains an entry for this variant (Variation ID: 1697350). For these reasons, this variant has been classified as Pathogenic.

Laboratory of Medical Genetics, National & Kapodistrian University of Athens
Classification: Likely pathogenic for Galloway-Mowat syndrome 1. Last evaluated: 2022-07-23. Review status: criteria provided, single submitter. Criteria: ACMG Guidelines, 2015. Collection method: clinical testing. Allele origin: unknown. Inheritance: Autosomal recessive inheritance. Affected: yes.

Literature cited by the submitters: PubMed 25466283 (cited by Labcorp Genetics (formerly Invitae), Labcorp); PubMed 25873735 (cited by Labcorp Genetics (formerly Invitae), Labcorp); PubMed 26123727 (cited by Labcorp Genetics (formerly Invitae), Labcorp).

NM_032856.5(WDR73):c.525_565dup (p.Asp189delinsValThrValArgSerTer)

Gene: WDR73 (WD repeat domain 73; minus strand). Cytogenetic location: 15q25.2.
Variant type: Duplication.
Coding change: c.525_565dup on transcript NM_032856.5 (MANE Select); coding-DNA positions 525 to 565, 41 bases duplicated.
Protein change: p.Asp189delinsValThrValArgSerTer.
Molecular consequence: nonsense. On other transcripts: non-coding transcript variant (4).
Genome position (GRCh38, 1-based): chr15:84,645,789-84,645,829, 41 bases duplicated; duplicating any 41 consecutive bases within chr15:84,645,789-84,645,832 gives the same sequence; the c. name uses the placement nearest the transcript's 3' end. GRCh37 (hg19): chr15:85,189,023-85,189,063.
Identifiers: ClinVar variation 1697350 (VCV001697350.7), dbSNP rs2141837067, ClinGen allele CA2580090100.